The following is an entry in ClinVar:

ClinVar aggregate classification (germline): Likely benign. Review status: criteria provided, single submitter (1 of 4 stars). 2 submissions from 2 submitters: Likely benign (1). 1 of the submissions does not count toward it. Last evaluated 2024-11-06.

Conditions:
UNC80-related disorder. Also called: UNC80-related condition.

Allele frequency attached by ClinVar (database versions not stated): gnomAD exomes below 0.00001 and 0.00001; gnomAD 0.00001; TOPMed 0.00001; 1000 Genomes Project 30x 0.00016.
gnomAD v4.1: 8 of 1,552,234 alleles (0.00052%); highest among the groups gnomAD compares: East Asian, 0.012%; no homozygotes.

Submissions (2):

Labcorp Genetics (formerly Invitae), Labcorp
Classification: Likely benign. Last evaluated: 2024-11-06. Review status: criteria provided, single submitter. Criteria: Invitae Variant Classification Sherloc (09022015). Collection method: clinical testing. Allele origin: germline.

PreventionGenetics, part of Exact Sciences
Classification: Likely benign for UNC80-related condition. Last evaluated: 2021-04-07. Review status: no assertion criteria provided. Collection method: clinical testing. Allele origin: germline. Not counted in ClinVar's aggregate classification.
Comment: This variant is classified as likely benign based on ACMG/AMP sequence variant interpretation guidelines (Richards et al. 2015 PMID: 25741868, with internal and published modifications).

NM_001371986.1(UNC80):c.5745A>G (p.Ala1915=)

Gene: UNC80 (unc-80 subunit of NALCN channel complex; plus strand). Cytogenetic location: 2q34.
Variant type: single nucleotide variant.
Coding change: c.5745A>G on transcript NM_001371986.1 (MANE Select); coding-DNA position 5745, A replaced by G.
Protein change: p.Ala1915=; no amino-acid change (alanine 1915 retained).
Molecular consequence: synonymous variant.
Genome position (GRCh38, 1-based): chr2:209,926,925, A>G. VCF-style: chr2-209926925-A-G. GRCh37 (hg19) VCF-style: chr2-210791649-A-G.
Other names: c.5547A>G, p.Ala1849= (NM_032504.2); c.5532A>G, p.Ala1844= (NM_182587.4); c.5547A>G (NM_032504.1).
Identifiers: ClinVar variation 1638983 (VCV001638983.10), dbSNP rs1161484838, ClinGen allele CA431097791.